The following is an entry in ClinVar:

GRCh38/hg38 Xq26.2(chrX:133531315-133536007)x1

Gene: GPC3 (glypican 3; minus strand). Cytogenetic location: Xq26.2.
Variant type: copy number loss.
Change: copy number 1 of chrX:133,531,315-133,536,007 (4.7 kb, GRCh38 coordinates, 1-based), cytogenetic band Xq26.2.
Identifiers: ClinVar variation 149567 (VCV000149567.3).

ClinVar aggregate classification (germline): Likely benign (0 of 4 stars; one submission).

Submission:

ISCA site 1
Classification: Likely benign. Last evaluated: 2018-02-09. Review status: no assertion criteria provided. Collection method: clinical testing. Allele origin: maternal. Affected: yes. Observed: 2 variant alleles.
Comment: Copy number variation identified through the course of routine clinical cytogenomic testing in postnatal populations, with clinical assertions as classified by the original submitter. For data from the original published study, Kaminsky, et al. 2011 (PubMed 21844811), please see nstd101.